The following is an entry in ClinVar:

ClinVar aggregate classification (germline): Likely benign (1 of 4 stars; one submission).

Submission:

CeGaT Center for Human Genetics Tuebingen
Classification: Likely benign. Last evaluated: 2024-07-01. Review status: criteria provided, single submitter. Criteria: CeGaT Center For Human Genetics Tuebingen Variant Classification Criteria Version 2. Collection method: clinical testing. Allele origin: germline. Affected: yes. Observed: 1 variant allele.
Comment: COQ2: PM2:Supporting, BP4, BP7

NM_015697.9(COQ2):c.15A>T (p.Ser5=)

Genes: COQ2 (coenzyme Q2, polyprenyltransferase; minus strand), LOC112997540 (Sharpr-MPRA regulatory region 13773; plus strand). Cytogenetic location: 4q21.23.
Variant type: single nucleotide variant.
Coding change: c.15A>T on transcript NM_015697.9; coding-DNA position 15, A replaced by T.
Protein change: p.Ser5=; no amino-acid change (serine 5 retained).
Molecular consequence: synonymous variant.
Genome position (GRCh38, 1-based): chr4:83,284,900, T>A on the plus strand (A>T on the coding strand, the complement: COQ2 is on the minus strand). VCF-style: chr4-83284900-T-A. GRCh37 (hg19) VCF-style: chr4-84206053-T-A.
Identifiers: ClinVar variation 3257218 (VCV003257218.16).